The following is an entry in ClinVar:

NM_001012614.2(CTBP1):c.486C>T (p.Arg162=)

Gene: CTBP1 (C-terminal binding protein 1; minus strand). Cytogenetic location: 4p16.3.
Variant type: single nucleotide variant.
Coding change: c.486C>T on transcript NM_001012614.2 (MANE Select); coding-DNA position 486, C replaced by T.
Protein change: p.Arg162=; no amino-acid change (arginine 162 retained).
Molecular consequence: synonymous variant.
Genome position (GRCh38, 1-based): chr4:1,225,388, G>A on the plus strand (C>T on the coding strand, the complement: CTBP1 is on the minus strand). VCF-style: chr4-1225388-G-A. GRCh37 (hg19) VCF-style: chr4-1219176-G-A.
Other names: p.Arg173=; c.519C>T (NM_001328.2); c.519C>T, p.Arg173= (NM_001328.3, NM_001377186.1); c.486C>T, p.Arg162= (NM_001377187.1, NM_001377188.1, NM_001377189.1 and 4 more transcripts).
Identifiers: ClinVar variation 1165523 (VCV001165523.42), dbSNP rs1045458, ClinGen allele CA2804414.

ClinVar aggregate classification (germline): Benign/Likely benign. Review status: criteria provided, multiple submitters, no conflicts (2 of 4 stars). 6 submissions from 6 submitters: Benign (4); Likely benign (1). 1 of the submissions does not count toward it. Last evaluated 2026-01-27.

Conditions:
CTBP1-related disorder. Also called: CTBP1-related condition.
4p partial monosomy syndrome (WHS). Also called: CHROMOSOME 4p16.3 DELETION SYNDROME; WITTWER SYNDROME; Wolf-Hirschhorn syndrome; PITT SYNDROME. Identifiers: Orphanet 280, MedGen C1956097, MONDO:0008684, OMIM 194190.
Hypotonia, ataxia, developmental delay, and tooth enamel defect syndrome. Identifiers: MedGen C4693578, MONDO:0060666, OMIM 617915.

Allele frequency attached by ClinVar (database versions not stated): 1000 Genomes Project 30x 0.00547; 1000 Genomes Project 0.00579; gnomAD 0.00999 and 0.01026; gnomAD exomes 0.01001; ESP Exome Variant Server 0.01083; TOPMed 0.01124; ExAC 0.02287.
gnomAD v4.1: 20,838 of 1,566,246 alleles (1.3%); highest among the groups gnomAD compares: Middle Eastern, 1.6%; 172 homozygotes.

Submissions (6):

Labcorp Genetics (formerly Invitae), Labcorp
Classification: Benign. Last evaluated: 2026-01-27. Review status: criteria provided, single submitter. Criteria: Invitae Variant Classification Sherloc (09022015). Collection method: clinical testing. Allele origin: germline.

CeGaT Center for Human Genetics Tuebingen
Classification: Benign. Last evaluated: 2024-08-01. Review status: criteria provided, single submitter. Criteria: CeGaT Center For Human Genetics Tuebingen Variant Classification Criteria Version 2. Collection method: clinical testing. Allele origin: germline. Affected: yes. Observed: 35 variant alleles.
Comment: CTBP1: BP4, BP7, BS1, BS2

Mayo Clinic Laboratories, Mayo Clinic
Classification: Benign. Last evaluated: 2023-06-16. Review status: criteria provided, single submitter. Criteria: ACMG Guidelines, 2015. Collection method: clinical testing. Allele origin: germline. Observed: 19 variant alleles.
Comment: BS1, BS2, BP4, BP7

Fulgent Genetics
Classification: Likely benign for 4p partial monosomy syndrome; Hypotonia, ataxia, developmental delay, and tooth enamel defect syndrome. Last evaluated: 2021-09-27. Review status: criteria provided, single submitter. Criteria: ACMG Guidelines, 2015. Collection method: clinical testing. Allele origin: unknown.

Breakthrough Genomics
Classification: Benign. Review status: criteria provided, single submitter. Criteria: ACMG Guidelines, 2015. Collection method: not provided. Allele origin: germline. Inheritance: Autosomal dominant inheritance. Affected: yes.

PreventionGenetics, part of Exact Sciences
Classification: Benign for CTBP1-related condition. Last evaluated: 2020-03-06. Review status: no assertion criteria provided. Collection method: clinical testing. Allele origin: germline. Not counted in ClinVar's aggregate classification.
Comment: This variant is classified as benign based on ACMG/AMP sequence variant interpretation guidelines (Richards et al. 2015 PMID: 25741868, with internal and published modifications).